The following is an entry in ClinVar:

ClinVar aggregate classification (germline): Likely benign (0 of 4 stars; one submission).

Conditions:
TRPC5-related disorder. Also called: TRPC5-related condition.

Allele frequency attached by ClinVar (database versions not stated): ExAC 0.00002; ESP Exome Variant Server 0.00009; TOPMed 0.00010; gnomAD 0.00012; gnomAD exomes 0.00017.
gnomAD v4.1: 201 of 1,210,365 alleles (0.017%); highest among the groups gnomAD compares: Non-Finnish European, 0.022%; no homozygotes.

Submission:

PreventionGenetics, part of Exact Sciences
Classification: Likely benign for TRPC5-related condition. Last evaluated: 2022-06-02. Review status: no assertion criteria provided. Collection method: clinical testing. Allele origin: germline.
Comment: This variant is classified as likely benign based on ACMG/AMP sequence variant interpretation guidelines (Richards et al. 2015 PMID: 25741868, with internal and published modifications).

NM_012471.3(TRPC5):c.195C>T (p.Cys65=)

Gene: TRPC5 (transient receptor potential cation channel subfamily C member 5; minus strand). Cytogenetic location: Xq23.
Variant type: single nucleotide variant.
Coding change: c.195C>T on transcript NM_012471.3 (MANE Select); coding-DNA position 195, C replaced by T.
Protein change: p.Cys65=; no amino-acid change (cysteine 65 retained).
Molecular consequence: synonymous variant.
Genome position (GRCh38, 1-based): chrX:111,952,226, G>A on the plus strand (C>T on the coding strand, the complement: TRPC5 is on the minus strand). VCF-style: chrX-111952226-G-A. GRCh37 (hg19) VCF-style: chrX-111195454-G-A.
Identifiers: ClinVar variation 3030559 (VCV003030559.2), dbSNP rs374345676, ClinGen allele CA10494446.